The following is an entry in ClinVar:

ClinVar aggregate classification (germline): Uncertain significance. Review status: criteria provided, multiple submitters, no conflicts (2 of 4 stars). 2 submissions from 2 submitters: Uncertain significance (2). Last evaluated 2025-01-06.

Conditions:
Cardiovascular phenotype. Identifiers: MedGen CN230736.

Submissions (2):

Ambry Genetics
Classification: Uncertain significance for Cardiovascular phenotype. Last evaluated: 2025-01-06. Review status: criteria provided, single submitter. Criteria: Ambry Variant Classification Scheme 2023. Collection method: clinical testing. Allele origin: germline.
Comment: The p.R527L variant (also known as c.1580G>T), located in coding exon 13 of the PTPN11 gene, results from a G to T substitution at nucleotide position 1580. The arginine at codon 527 is replaced by leucine, an amino acid with dissimilar properties. This amino acid position is conserved. In addition, this alteration is predicted to be tolerated by in silico analysis. Based on the available evidence, the clinical significance of this variant remains unclear.

Blueprint Genetics
Classification: Uncertain significance. Last evaluated: 2018-03-10. Review status: criteria provided, single submitter. Criteria: ACMG Guidelines, 2015. Collection method: clinical testing. Allele origin: germline.

NM_002834.5(PTPN11):c.1580G>T (p.Arg527Leu)

Gene: PTPN11 (protein tyrosine phosphatase non-receptor type 11; plus strand). Cytogenetic location: 12q24.13.
Variant type: single nucleotide variant.
Coding change: c.1580G>T on transcript NM_002834.5 (MANE Select); coding-DNA position 1580, G replaced by T.
Protein change: p.Arg527Leu; replaces arginine 527 with leucine.
Molecular consequence: missense variant.
Genome position (GRCh38, 1-based): chr12:112,489,156, G>T. VCF-style: chr12-112489156-G-T. GRCh37 (hg19) VCF-style: chr12-112926960-G-T.
Other names: c.1592G>T, p.Arg531Leu (NM_001330437.2); c.1577G>T, p.Arg526Leu (NM_001374625.1); short protein forms R527L, R526L, R531L.
Identifiers: ClinVar variation 3784955 (VCV003784955.2).